The following is an entry in ClinVar:

ClinVar aggregate classification (germline): Uncertain significance (1 of 4 stars; one submission).

Submission:

Women's Health and Genetics/Laboratory Corporation of America, LabCorp
Classification: Uncertain significance. Last evaluated: 2026-01-27. Review status: criteria provided, single submitter. Criteria: LabCorp Variant Classification Summary - May 2015. Collection method: clinical testing. Allele origin: germline.
Comment: Variant summary: STXBP2 c.793A>G (p.Arg265Gly) results in a non-conservative amino acid change in the encoded protein sequence. Algorithms developed to predict the effect of missense changes on protein structure and function are either unavailable or do not agree on the potential impact of this missense change. Several computational tools predict a significant impact on normal splicing: Four predict the variant abolishes a 5' splicing donor site. However, these predictions have yet to be confirmed by functional studies. The variant was absent in 251352 control chromosomes. The available data on variant occurrences in the general population are insufficient to allow any conclusion about variant significance. To our knowledge, no occurrence of c.793A>G in individuals affected with STXBP2-related conditions and no experimental evidence demonstrating its impact on protein function have been reported. No submitters have cited clinical-significance assessments for this variant to ClinVar. Based on the evidence outlined above, the variant was classified as uncertain significance.

NM_006949.4(STXBP2):c.793A>G (p.Arg265Gly)

Gene: STXBP2 (syntaxin binding protein 2; plus strand). Cytogenetic location: 19p13.2.
Variant type: single nucleotide variant.
Coding change: c.793A>G on transcript NM_006949.4 (MANE Select); coding-DNA position 793, A replaced by G.
Protein change: p.Arg265Gly; replaces arginine 265 with glycine.
Molecular consequence: missense variant. On other transcripts: non-coding transcript variant (1).
Genome position (GRCh38, 1-based): chr19:7,642,332, A>G. VCF-style: chr19-7642332-A-G. GRCh37 (hg19) VCF-style: chr19-7707218-A-G.
Other names: c.784A>G, p.Arg262Gly (NM_001127396.3); c.826A>G, p.Arg276Gly (NM_001272034.2); c.697A>G, p.Arg233Gly (NM_001414484.1); short protein forms R233G, R262G, R265G, R276G.
Identifiers: ClinVar variation 4689521 (VCV004689521.1).